The following is an entry in ClinVar:

ClinVar aggregate classification (germline): Uncertain significance (1 of 4 stars; one submission).

Allele frequency attached by ClinVar (database versions not stated): gnomAD 0.00001.

Submission:

Labcorp Genetics (formerly Invitae), Labcorp
Classification: Uncertain significance. Last evaluated: 2023-05-05. Review status: criteria provided, single submitter. Criteria: Invitae Variant Classification Sherloc (09022015). Collection method: clinical testing. Allele origin: germline.
Comment: In summary, the available evidence is currently insufficient to determine the role of this variant in disease. Therefore, it has been classified as a Variant of Uncertain Significance. An algorithm developed to predict the effect of missense changes on protein structure and function (PolyPhen-2) suggests that this variant is likely to be tolerated. This variant has not been reported in the literature in individuals affected with TAOK2-related conditions. This variant is present in population databases (no rsID available, gnomAD 0.003%). This sequence change replaces aspartic acid, which is acidic and polar, with asparagine, which is neutral and polar, at codon 299 of the TAOK2 protein (p.Asp299Asn).

NM_016151.4(TAOK2):c.895G>A (p.Asp299Asn)

Gene: TAOK2 (TAO kinase 2; plus strand). Cytogenetic location: 16p11.2.
Variant type: single nucleotide variant.
Coding change: c.895G>A on transcript NM_016151.4 (MANE Select); coding-DNA position 895, G replaced by A.
Protein change: p.Asp299Asn; replaces aspartic acid 299 with asparagine.
Molecular consequence: missense variant.
Genome position (GRCh38, 1-based): chr16:29,982,797, G>A. VCF-style: chr16-29982797-G-A. GRCh37 (hg19) VCF-style: chr16-29994118-G-A.
Other names: c.895G>A, p.Asp299Asn (NM_001252043.2, NM_004783.4); short protein forms D299N.
Identifiers: ClinVar variation 3004750 (VCV003004750.3), dbSNP rs1414787531, ClinGen allele CA395475294.